The following is an entry in ClinVar:

ClinVar aggregate classification (germline): Uncertain significance (1 of 4 stars; one submission).

Allele frequency attached by ClinVar (database versions not stated): gnomAD 0.00001; ExAC 0.00002.

Submission:

Labcorp Genetics (formerly Invitae), Labcorp
Classification: Uncertain significance. Last evaluated: 2021-11-28. Review status: criteria provided, single submitter. Criteria: Invitae Variant Classification Sherloc (09022015). Collection method: clinical testing. Allele origin: germline.
Comment: This sequence change replaces glycine, which is neutral and non-polar, with valine, which is neutral and non-polar, at codon 808 of the PLK4 protein (p.Gly808Val). This variant is present in population databases (rs201490018, gnomAD 0.06%). This variant has not been reported in the literature in individuals affected with PLK4-related conditions. Algorithms developed to predict the effect of missense changes on protein structure and function are either unavailable or do not agree on the potential impact of this missense change (SIFT: "Tolerated"; PolyPhen-2: "Possibly Damaging"; Align-GVGD: "Class C0"). In summary, the available evidence is currently insufficient to determine the role of this variant in disease. Therefore, it has been classified as a Variant of Uncertain Significance.

NM_014264.5(PLK4):c.2423G>T (p.Gly808Val)

Gene: PLK4 (polo like kinase 4; plus strand). Cytogenetic location: 4q28.1.
Variant type: single nucleotide variant.
Coding change: c.2423G>T on transcript NM_014264.5 (MANE Select); coding-DNA position 2423, G replaced by T.
Protein change: p.Gly808Val; replaces glycine 808 with valine.
Molecular consequence: missense variant.
Genome position (GRCh38, 1-based): chr4:127,893,742, G>T. VCF-style: chr4-127893742-G-T. GRCh37 (hg19) VCF-style: chr4-128814897-G-T.
Other names: c.2327G>T, p.Gly776Val (NM_001190799.2); c.2300G>T, p.Gly767Val (NM_001190801.2); short protein forms G808V, G767V, G776V.
Identifiers: ClinVar variation 1914380 (VCV001914380.5), dbSNP rs201490018, ClinGen allele CA3077062.